The following is an entry in ClinVar:

NM_001164508.2(NEB):c.296A>T (p.Asn99Ile)

Gene: NEB (nebulin; minus strand). Cytogenetic location: 2q23.3.
Variant type: single nucleotide variant.
Coding change: c.296A>T on transcript NM_001164508.2 (MANE Select); coding-DNA position 296, A replaced by T.
Protein change: p.Asn99Ile; replaces asparagine 99 with isoleucine.
Molecular consequence: missense variant.
Genome position (GRCh38, 1-based): chr2:151,725,559, T>A on the plus strand (A>T on the coding strand, the complement: NEB is on the minus strand). VCF-style: chr2-151725559-T-A. GRCh37 (hg19) VCF-style: chr2-152582073-T-A.
Other names: c.296A>T, p.Asn99Ile (NM_001164507.2, NM_001271208.2, NM_004543.5); short protein forms N99I.
Identifiers: ClinVar variation 2196894 (VCV002196894.1), dbSNP rs1321273866, ClinGen allele CA348794019.

ClinVar aggregate classification (germline): Uncertain significance (1 of 4 stars; one submission).

Conditions:
Nemaline myopathy 2 (NEM2). Also called: Nemaline myopathy 2, autosomal recessive. Identifiers: MedGen C1850569, MONDO:0009725, OMIM 256030.

Allele frequency attached by ClinVar (database versions not stated): gnomAD exomes 0.00001.
gnomAD v4.1: 3 of 1,612,352 alleles (0.00019%); highest among the groups gnomAD compares: East Asian, 0.0067%; no homozygotes.

Submission:

Labcorp Genetics (formerly Invitae), Labcorp
Classification: Uncertain significance for Nemaline myopathy 2. Last evaluated: 2022-03-04. Review status: criteria provided, single submitter. Criteria: Invitae Variant Classification Sherloc (09022015). Collection method: clinical testing. Allele origin: germline.
Comment: This sequence change replaces asparagine, which is neutral and polar, with isoleucine, which is neutral and non-polar, at codon 99 of the NEB protein (p.Asn99Ile). This variant is present in population databases (no rsID available, gnomAD 0.02%). This variant has not been reported in the literature in individuals affected with NEB-related conditions. Algorithms developed to predict the effect of missense changes on protein structure and function are either unavailable or do not agree on the potential impact of this missense change (SIFT: "Deleterious"; PolyPhen-2: "Not Available"; Align-GVGD: "Class C0"). In summary, the available evidence is currently insufficient to determine the role of this variant in disease. Therefore, it has been classified as a Variant of Uncertain Significance.